The following is an entry in ClinVar:

ClinVar aggregate classification (germline): Uncertain significance (1 of 4 stars; one submission).

Conditions:
Marfan syndrome (MFS). Also called: FBN1-Related Marfan Syndrome; MARFAN SYNDROME, TYPE I; Marfan syndrome type 1; Marfan's syndrome; Marfan syndrome, classic. Identifiers: Orphanet 284963, Orphanet 558, MedGen C0024796, MONDO:0007947, OMIM 154700.
Familial thoracic aortic aneurysm and aortic dissection (TAAD). Also called: Thoracic aortic aneurysms and dissections. Identifiers: Orphanet 91387, MedGen C4707243, MONDO:0019625.

Submission:

Labcorp Genetics (formerly Invitae), Labcorp
Classification: Uncertain significance for Marfan syndrome; Familial thoracic aortic aneurysm and aortic dissection. Last evaluated: 2025-06-27. Review status: criteria provided, single submitter. Criteria: Invitae Variant Classification Sherloc (09022015). Collection method: clinical testing. Allele origin: germline.
Comment: This sequence change replaces glutamic acid, which is acidic and polar, with lysine, which is basic and polar, at codon 2651 of the FBN1 protein (p.Glu2651Lys). This variant is not present in population databases (gnomAD no frequency). This variant has not been reported in the literature in individuals affected with FBN1-related conditions. Invitae Evidence Modeling of protein sequence and biophysical properties (such as structural, functional, and spatial information, amino acid conservation, physicochemical variation, residue mobility, and thermodynamic stability) indicates that this missense variant is expected to disrupt FBN1 protein function with a positive predictive value of 95%. In summary, the available evidence is currently insufficient to determine the role of this variant in disease. Therefore, it has been classified as a Variant of Uncertain Significance.

NM_000138.5(FBN1):c.7951G>A (p.Glu2651Lys)

Gene: FBN1 (fibrillin 1; minus strand). Cytogenetic location: 15q21.1.
Variant type: single nucleotide variant.
Coding change: c.7951G>A on transcript NM_000138.5 (MANE Select); coding-DNA position 7951, G replaced by A.
Protein change: p.Glu2651Lys; replaces glutamic acid 2651 with lysine.
Molecular consequence: missense variant.
Genome position (GRCh38, 1-based): chr15:48,415,636, C>T on the plus strand (G>A on the coding strand, the complement: FBN1 is on the minus strand). VCF-style: chr15-48415636-C-T. GRCh37 (hg19) VCF-style: chr15-48707833-C-T.
Other names: c.7951G>A, p.Glu2651Lys (NM_001406716.1); short protein forms E2651K.
Identifiers: ClinVar variation 4789626 (VCV004789626.1).
Genomic context (GRCh38, chr15:48,415,636, plus strand): 5'-GGTAACCGCCCTCGGTATTGGAACAGCCATAGCTGCAGGGGGCCTGCGCAGAGCCACATT[C>T]ATTGATGTCTTGGCATCCTCCACTGAACTGTTCATACTGGAAGCCGGCGGGACACATGCA-3'
Protein context (NP_000129.3, residues 2641-2661): QFSGGCQDIN[Glu2651Lys]CGSAQAPCSY